The following is an entry in ClinVar:

NM_001151.4(SLC25A4):c.628A>G (p.Ile210Val)

Gene: SLC25A4 (solute carrier family 25 member 4; plus strand). Cytogenetic location: 4q35.1.
Variant type: single nucleotide variant.
Coding change: c.628A>G on transcript NM_001151.4 (MANE Select); coding-DNA position 628, A replaced by G.
Protein change: p.Ile210Val; replaces isoleucine 210 with valine.
Molecular consequence: missense variant.
Genome position (GRCh38, 1-based): chr4:185,145,788, A>G. VCF-style: chr4-185145788-A-G. GRCh37 (hg19) VCF-style: chr4-186066942-A-G.
Other names: short protein forms I210V.
Identifiers: ClinVar variation 2756661 (VCV002756661.3), dbSNP rs967752941, ClinGen allele CA112006909.

ClinVar aggregate classification (germline): Uncertain significance (1 of 4 stars; one submission).

Allele frequency attached by ClinVar (database versions not stated): gnomAD exomes below 0.00001; gnomAD 0.00001; TOPMed 0.00001.
gnomAD v4.1: 5 of 1,614,062 alleles (0.00031%); highest among the groups gnomAD compares: Non-Finnish European, 0.00042%; no homozygotes.

Submission:

Labcorp Genetics (formerly Invitae), Labcorp
Classification: Uncertain significance. Last evaluated: 2025-10-29. Review status: criteria provided, single submitter. Criteria: Invitae Variant Classification Sherloc (09022015). Collection method: clinical testing. Allele origin: germline.
Comment: This sequence change replaces isoleucine, which is neutral and non-polar, with valine, which is neutral and non-polar, at codon 210 of the SLC25A4 protein (p.Ile210Val). This variant is present in population databases (no rsID available, gnomAD 0.0009%). This variant has not been reported in the literature in individuals affected with SLC25A4-related conditions. ClinVar contains an entry for this variant (Variation ID: 2756661). Invitae Evidence Modeling of protein sequence and biophysical properties (such as structural, functional, and spatial information, amino acid conservation, physicochemical variation, residue mobility, and thermodynamic stability) indicates that this missense variant is not expected to disrupt SLC25A4 protein function with a negative predictive value of 80%. In summary, the available evidence is currently insufficient to determine the role of this variant in disease. Therefore, it has been classified as a Variant of Uncertain Significance.